The following is an entry in ClinVar:

ClinVar aggregate classification (germline): Likely pathogenic (1 of 4 stars; one submission).

Submission:

GeneDx
Classification: Likely pathogenic. Last evaluated: 2024-06-20. Review status: criteria provided, single submitter. Criteria: GeneDx Variant Classification Process June 2021. Collection method: clinical testing. Allele origin: germline. Affected: yes.
Comment: Not observed at significant frequency in large population cohorts (gnomAD); In silico analysis supports that this missense variant has a deleterious effect on protein structure/function; In silico analysis suggests this variant may impact gene splicing. In the absence of RNA/functional studies, the actual effect of this sequence change is unknown.; Has not been previously published in association with a GRID2-related disorder to our knowledge; This variant is associated with the following publications: (PMID: 37944084)

NM_001510.4(GRID2):c.1949C>T (p.Ala650Val)

Gene: GRID2 (glutamate ionotropic receptor delta type subunit 2; plus strand). Cytogenetic location: 4q22.2.
Variant type: single nucleotide variant.
Coding change: c.1949C>T on transcript NM_001510.4 (MANE Select); coding-DNA position 1949, C replaced by T.
Protein change: p.Ala650Val; replaces alanine 650 with valine.
Molecular consequence: missense variant.
Genome position (GRCh38, 1-based): chr4:93,490,729, C>T. VCF-style: chr4-93490729-C-T. GRCh37 (hg19) VCF-style: chr4-94411880-C-T.
Other names: c.1664C>T, p.Ala555Val (NM_001286838.1); short protein forms A555V, A650V.
Identifiers: ClinVar variation 1723717 (VCV001723717.3), dbSNP rs2546697855, ClinGen allele CA357724792.